The following is an entry in ClinVar:

ClinVar aggregate classification (germline): Benign (1 of 4 stars; one submission).

Conditions:
Colorectal cancer, susceptibility to, 1. Also called: COLORECTAL ADENOMA AND CANCER, SUSCEPTIBILITY TO; COLORECTAL CANCER, SUSCEPTIBILITY TO, ON CHROMOSOME 9. Identifiers: MedGen C1837315, MONDO:0012132, OMIM 608812.

Submission:

Myriad Genetics, Inc.
Classification: Benign for Colorectal cancer, susceptibility to, 1. Last evaluated: 2026-04-22. Review status: criteria provided, single submitter. Criteria: Myriad Autosomal Dominant, Autosomal Recessive and X-Linked Classification Criteria (2023). Collection method: clinical testing. Allele origin: unknown.
Comment: This variant is considered benign. This variant is a silent/synonymous amino acid change and it is not expected to impact splicing.

NM_024642.5(GALNT12):c.63G>A (p.Leu21=)

Genes: GALNT12 (polypeptide N-acetylgalactosaminyltransferase 12; plus strand), LOC130002222 (ATAC-STARR-seq lymphoblastoid silent region 20123; plus strand). Cytogenetic location: 9q22.33.
Variant type: single nucleotide variant.
Coding change: c.63G>A on transcript NM_024642.5 (MANE Select); coding-DNA position 63, G replaced by A.
Protein change: p.Leu21=; no amino-acid change (leucine 21 retained).
Molecular consequence: synonymous variant.
Genome position (GRCh38, 1-based): chr9:98,807,761, G>A. VCF-style: chr9-98807761-G-A. GRCh37 (hg19) VCF-style: chr9-101570043-G-A.
Identifiers: ClinVar variation 4876202 (VCV004876202.1).